The following is an entry in ClinVar:

NM_016222.4(DDX41):c.538A>G (p.Ile180Val)

Gene: DDX41 (DEAD-box helicase 41; minus strand). Cytogenetic location: 5q35.3.
Variant type: single nucleotide variant.
Coding change: c.538A>G on transcript NM_016222.4 (MANE Select); coding-DNA position 538, A replaced by G.
Protein change: p.Ile180Val; replaces isoleucine 180 with valine.
Molecular consequence: missense variant.
Genome position (GRCh38, 1-based): chr5:177,515,718, T>C on the plus strand (A>G on the coding strand, the complement: DDX41 is on the minus strand). VCF-style: chr5-177515718-T-C. GRCh37 (hg19) VCF-style: chr5-176942719-T-C.
Other names: c.160A>G, p.Ile54Val (NM_001321732.2, NM_001321830.2); c.538A>G (NM_016222.2); short protein forms I54V, I180V.
Identifiers: ClinVar variation 2171194 (VCV002171194.10), dbSNP rs376128262, ClinGen allele CA3585173.

ClinVar aggregate classification (germline): Conflicting classifications of pathogenicity. Review status: criteria provided, conflicting classifications (1 of 4 stars). 5 submissions from 5 submitters: Uncertain significance (4); Likely benign (1). Last evaluated 2026-01-06.

Conditions:
DDX41-related hematologic malignancy predisposition syndrome. Also called: Myeloproliferative/lymphoproliferative neoplasms, familial (multiple types), susceptibility to; DDX41-Associated Familial Myelodysplastic Syndrome and Acute Myeloid Leukemia. Identifiers: Orphanet 488647, MedGen C4225174, MONDO:0014809, OMIM 616871.
Inborn genetic diseases. Identifiers: MedGen C0950123, MeSH D030342.

Allele frequency attached by ClinVar (database versions not stated): ESP Exome Variant Server 0.00008; TOPMed 0.00010; gnomAD 0.00004.
gnomAD v4.1: 64 of 1,614,028 alleles (0.004%); highest among the groups gnomAD compares: Middle Eastern, 0.033%; no homozygotes.

Submissions (5):

Labcorp Genetics (formerly Invitae), Labcorp
Classification: Uncertain significance. Last evaluated: 2026-01-06. Review status: criteria provided, single submitter. Criteria: Invitae Variant Classification Sherloc (09022015). Collection method: clinical testing. Allele origin: germline.
Comment: This sequence change replaces isoleucine, which is neutral and non-polar, with valine, which is neutral and non-polar, at codon 180 of the DDX41 protein (p.Ile180Val). This variant is present in population databases (rs376128262, gnomAD 0.03%). This missense change has been observed in individual(s) with DDX41-related conditions (PMID: 36322930, 37199125, 37665752). ClinVar contains an entry for this variant (Variation ID: 2171194). An algorithm developed to predict the effect of missense changes on protein structure and function (PolyPhen-2) suggests that this variant is likely to be tolerated. In summary, the available evidence is currently insufficient to determine the role of this variant in disease. Therefore, it has been classified as a Variant of Uncertain Significance.

GeneDx
Classification: Uncertain significance. Last evaluated: 2025-04-21. Review status: criteria provided, single submitter. Criteria: GeneDx Variant Classification Process June 2021. Collection method: clinical testing. Allele origin: germline.
Comment: In silico analysis indicates that this missense variant does not alter protein structure/function; This variant is associated with the following publications: (PMID: 27721487, 37506341, 37199125, 37665752)

Ambry Genetics
Classification: Likely benign for Inborn genetic diseases. Last evaluated: 2024-10-17. Review status: criteria provided, single submitter. Criteria: Ambry Variant Classification Scheme 2023. Collection method: clinical testing. Allele origin: germline.

Baylor Genetics
Classification: Uncertain significance for DDX41-related hematologic malignancy predisposition syndrome. Last evaluated: 2023-10-18. Review status: criteria provided, single submitter. Criteria: ACMG Guidelines, 2015. Collection method: clinical testing. Allele origin: unknown.

St. Jude Molecular Pathology, St. Jude Children's Research Hospital
Classification: Uncertain significance for DDX41-related hematologic malignancy predisposition syndrome. Last evaluated: 2023-06-22. Review status: criteria provided, single submitter. Criteria: St. Jude Assertion Criteria 2020. Collection method: clinical testing. Allele origin: germline.
Comment: The DDX41 c.538A>G (p.Ile180Val) missense change has a maximum subpopulation frequency of 0.03% in gnomAD v2.1.1. The in silico tool REVEL predicts a benign effect on protein function, but to our knowledge this prediction has not been confirmed by functional studies. In summary, the evidence currently available is insufficient to determine the clinical significance of this variant. It has therefore been classified as of uncertain significance.

Literature cited by the submitters: PubMed 36322930 (cited by Labcorp Genetics (formerly Invitae), Labcorp); PubMed 37199125 (cited by Labcorp Genetics (formerly Invitae), Labcorp); PubMed 37665752 (cited by Labcorp Genetics (formerly Invitae), Labcorp).